The following is an entry in ClinVar:

ClinVar aggregate classification (germline): Uncertain significance (1 of 4 stars; one submission).

Conditions:
Neurofibromatosis, type 1 (NF1). Also called: NEUROFIBROMATOSIS, TYPE I, SOMATIC; Neurofibromatosis, type I; VON RECKLINGHAUSEN DISEASE; Peripheral type neurofibromatosis. Identifiers: Orphanet 636, MedGen C0027831, MONDO:0018975, OMIM 162200. Disease mechanism: loss of function.

Submission:

Labcorp Genetics (formerly Invitae), Labcorp
Classification: Uncertain significance for Neurofibromatosis, type 1. Last evaluated: 2025-11-12. Review status: criteria provided, single submitter. Criteria: Invitae Variant Classification Sherloc (09022015). Collection method: clinical testing. Allele origin: germline.
Comment: This sequence change replaces glutamic acid, which is acidic and polar, with aspartic acid, which is acidic and polar, at codon 2732 of the NF1 protein (p.Glu2732Asp). This variant is not present in population databases (gnomAD no frequency). This variant has not been reported in the literature in individuals affected with NF1-related conditions. Invitae Evidence Modeling of protein sequence and biophysical properties (such as structural, functional, and spatial information, amino acid conservation, physicochemical variation, residue mobility, and thermodynamic stability) indicates that this missense variant is not expected to disrupt NF1 protein function with a negative predictive value of 95%. In summary, the available evidence is currently insufficient to determine the role of this variant in disease. Therefore, it has been classified as a Variant of Uncertain Significance.

NM_001042492.3(NF1):c.8259A>T (p.Glu2753Asp)

Gene: NF1 (neurofibromin 1; plus strand). Cytogenetic location: 17q11.2.
Variant type: single nucleotide variant.
Coding change: c.8259A>T on transcript NM_001042492.3 (MANE Select); coding-DNA position 8259, A replaced by T.
Protein change: p.Glu2753Asp; replaces glutamic acid 2753 with aspartic acid.
Molecular consequence: missense variant.
Genome position (GRCh38, 1-based): chr17:31,360,585, A>T. VCF-style: chr17-31360585-A-T. GRCh37 (hg19) VCF-style: chr17-29687603-A-T.
Other names: c.8196A>T, p.Glu2732Asp (NM_000267.4); short protein forms E2732D, E2753D.
Identifiers: ClinVar variation 4753712 (VCV004753712.1).
Genomic context (GRCh38, chr17:31,360,585, plus strand): 5'-GTTTCTTGATGCCTTGATTGACACGTACCTGCCTGGAATTGATGAAGAAACCAGTGAAGA[A>T]TCCCTCCTGACTCCCACATCTCCTTACCCTCCTGCACTGCAGAGCCAGCTTAGTATCACT-3'
Protein context (NP_001035957.1, residues 2743-2763): LPGIDEETSE[Glu2753Asp]SLLTPTSPYP